The following is an entry in ClinVar:

ClinVar aggregate classification (germline): Uncertain significance. Review status: criteria provided, multiple submitters, no conflicts (2 of 4 stars). 2 submissions from 2 submitters: Uncertain significance (2). Last evaluated 2025-09-02.

Allele frequency attached by ClinVar (database versions not stated): gnomAD exomes 0.00001.
gnomAD v4.1: 4 of 1,593,222 alleles (0.00025%); highest among the groups gnomAD compares: Non-Finnish European, 0.00034%; no homozygotes.

Submissions (2):

Labcorp Genetics (formerly Invitae), Labcorp
Classification: Uncertain significance. Last evaluated: 2025-09-02. Review status: criteria provided, single submitter. Criteria: Invitae Variant Classification Sherloc (09022015). Collection method: clinical testing. Allele origin: germline.
Comment: This sequence change replaces isoleucine, which is neutral and non-polar, with valine, which is neutral and non-polar, at codon 161 of the CWC27 protein (p.Ile161Val). This variant is present in population databases (no rsID available, gnomAD 0.002%). This variant has not been reported in the literature in individuals affected with CWC27-related conditions. ClinVar contains an entry for this variant (Variation ID: 2067358). An algorithm developed to predict the effect of missense changes on protein structure and function outputs the following: PolyPhen-2: "Benign". The valine amino acid residue is found in multiple mammalian species, which suggests that this missense change does not adversely affect protein function. In summary, the available evidence is currently insufficient to determine the role of this variant in disease. Therefore, it has been classified as a Variant of Uncertain Significance.

Blueprint Genetics
Classification: Uncertain significance. Last evaluated: 2020-09-17. Review status: criteria provided, single submitter. Criteria: ACMG Guidelines, 2015. Collection method: clinical testing. Allele origin: germline.

NM_005869.4(CWC27):c.481A>G (p.Ile161Val)

Gene: CWC27 (CWC27 spliceosome associated cyclophilin; plus strand). Cytogenetic location: 5q12.3.
Variant type: single nucleotide variant.
Coding change: c.481A>G on transcript NM_005869.4 (MANE Select); coding-DNA position 481, A replaced by G.
Protein change: p.Ile161Val; replaces isoleucine 161 with valine.
Molecular consequence: missense variant.
Genome position (GRCh38, 1-based): chr5:64,785,565, A>G. VCF-style: chr5-64785565-A-G. GRCh37 (hg19) VCF-style: chr5-64081392-A-G.
Other names: c.481A>G, p.Ile161Val (NM_001297644.1, NM_001297645.2, NM_001318000.2 and 1 more transcripts); short protein forms I161V.
Identifiers: ClinVar variation 2067358 (VCV002067358.5), dbSNP rs989567504, ClinGen allele CA119825628.
Genomic context (GRCh38, chr5:64,785,565, plus strand): 5'-ATGTTGCGACTGTCAGAAGTAGACATTGATGATGACGAAAGACCACATAATCCACACAAA[A>G]TAAAAAGCTGTGAGGTAGGAGCATGATTATTACGAGATACAGCACTTACATTGTCGTTTA-3'
Protein context (NP_005860.2, residues 151-171): DDERPHNPHK[Ile161Val]KSCEVLFNPF